The following is an entry in ClinVar:

ClinVar aggregate classification (germline): Pathogenic. Review status: reviewed by expert panel (3 of 4 stars). 3 submissions from 3 submitters: Pathogenic (1). 2 of the submissions do not count toward it. Last evaluated 2026-04-01.

Conditions:
Neuromuscular disease caused by qualitative or quantitative defects of dysferlin. Also called: Qualitative or quantitative defects of dysferlin; Dysferlinopathy. Identifiers: Orphanet 207073, MedGen C2931687, MONDO:0016145.
Autosomal recessive limb-girdle muscular dystrophy. Identifiers: Orphanet 102015, MedGen C2931907, MONDO:0015152.

Allele frequency attached by ClinVar (database versions not stated): gnomAD exomes 0.00001; TOPMed 0.00001; gnomAD 0.00001.
gnomAD v4.1: 4 of 1,614,086 alleles (0.00025%); highest among the groups gnomAD compares: South Asian, 0.0011%; no homozygotes.

Submissions (3):

ClinGen Limb Girdle Muscular Dystrophy Variant Curation Expert Panel, ClinGen
Classification: Pathogenic for Autosomal recessive limb-girdle muscular dystrophy. Last evaluated: 2026-04-01. Review status: reviewed by expert panel. Criteria: ClinGen LGMD VCEP ACMG Specifications DYSF V2.0.0. Collection method: curation. Allele origin: germline. Inheritance: Autosomal recessive inheritance.
Comment: The NM_003494.4: c.5570A>G variant in DYSF, which is also known as NM_001130987.2: c.5687A>G p.(His1896Arg), is a missense variant predicted to cause the substitution of histidine with arginine at amino acid 1857, p.(His1857Arg). This variant has been identified in at least five unrelated individuals with features consistent with LGMD (PMID: 30564623, 36319958, 11468312, 9731526; ClinVar SCV004292580.2 internal data communication). These reports include one homozygous patient without reported consanguinity (0.5 pts, ClinVar SCV004292580.2 internal data communication) and three patients where it was reported in unconfirmed phase with a pathogenic variant (NM_003494.4: c.2779del (p.Ala927LeufsTer21), 0.5 pts, PMID: 30564623, LOVD Individual #00222471; c.156G>A p.(Trp52Ter), 0.5 pts, PMID: 36319958; c.1129C>T p.(Arg377Ter), 0.5 pts, ClinVar SCV004292580.2 internal data communication) (PM3_Strong). At least one patient with this variant and a second presumed diagnostic DYSF variant displayed both progressive limb girdle muscle weakness and strongly reduced dysferlin protein expression in skeletal muscle, which is highly specific for DYSF-related LGMD (PMID: 36319958; PP4_Strong). The upper bound of the 95% confidence interval of the Grpmax variant allele frequency is 0.000006751 in gnomAD v4.1.0 (3/1180062 European (non-Finnish) chromosomes), which is less than the ClinGen LGMD VCEP threshold (<0.0001) (PM2_Supporting). The computational predictor REVEL gives a score of 0.929, which is above the LGMD VCEP threshold of ≥0.70, evidence that correlates with impact to DYSF function (PP3). In summary, this variant meets the criteria to be classified as Pathogenic for autosomal recessive limb girdle muscular dystrophy based on the ACMG/AMP criteria applied, as specified by the LGMD VCEP (specifications v2.0.0; 04/01/2026): PM3_Strong, PP4_Strong, PM2_Supporting, PP3.

Labcorp Genetics (formerly Invitae), Labcorp
Classification: Pathogenic for Neuromuscular disease caused by qualitative or quantitative defects of dysferlin. Last evaluated: 2025-04-11. Review status: criteria provided, single submitter. Criteria: Invitae Variant Classification Sherloc (09022015). Collection method: clinical testing. Allele origin: germline. Not counted in ClinVar's aggregate classification.
Comment: This sequence change replaces histidine, which is basic and polar, with arginine, which is basic and polar, at codon 1857 of the DYSF protein (p.His1857Arg). This variant is present in population databases (rs199601326, gnomAD 0.003%). This missense change has been observed in individual(s) with limb-girdle muscular dystrophy and/or Miyoshi myopathy (PMID: 9731526, 36319958; internal data). In at least one individual the data is consistent with being in trans (on the opposite chromosome) from a pathogenic variant. ClinVar contains an entry for this variant (Variation ID: 2441110). Invitae Evidence Modeling of protein sequence and biophysical properties (such as structural, functional, and spatial information, amino acid conservation, physicochemical variation, residue mobility, and thermodynamic stability) indicates that this missense variant is expected to disrupt DYSF protein function with a positive predictive value of 95%. For these reasons, this variant has been classified as Pathogenic.

Revvity Omics, Revvity
Classification: Uncertain significance. Last evaluated: 2020-02-24. Review status: criteria provided, single submitter. Criteria: ACMG Guidelines, 2015. Collection method: clinical testing. Allele origin: germline. Not counted in ClinVar's aggregate classification.

Literature cited by the submitters: PubMed 9731526 (cited by Labcorp Genetics (formerly Invitae), Labcorp); PubMed 36319958 (cited by Labcorp Genetics (formerly Invitae), Labcorp).

NM_001130987.2(DYSF):c.5687A>G (p.His1896Arg)

Gene: DYSF (dysferlin; plus strand). Cytogenetic location: 2p13.2.
Variant type: single nucleotide variant.
Coding change: c.5687A>G on transcript NM_001130987.2 (MANE Select); coding-DNA position 5687, A replaced by G.
Protein change: p.His1896Arg; replaces histidine 1896 with arginine.
Molecular consequence: missense variant.
Genome position (GRCh38, 1-based): chr2:71,669,649, A>G. VCF-style: chr2-71669649-A-G. GRCh37 (hg19) VCF-style: chr2-71896779-A-G.
Other names: NM_001130987.2(DYSF):c.5687A>G; p.His1896Arg; c.5573A>G, p.His1858Arg (NM_001130455.2); c.5528A>G, p.His1843Arg (NM_001130976.2); c.5591A>G, p.His1864Arg (NM_001130977.2); c.5633A>G, p.His1878Arg (NM_001130978.2); c.5663A>G, p.His1888Arg (NM_001130979.2); c.5621A>G, p.His1874Arg (NM_001130980.2); and 7 more; short protein forms H1843R, H1844R, H1857R, H1858R, H1864R, H1865R, H1874R, H1875R.
Identifiers: ClinVar variation 2441110 (VCV002441110.7), dbSNP rs199601326, ClinGen allele CA49769275.
Genomic context (GRCh38, chr2:71,669,649, plus strand): 5'-AAACATGTATGTCTAGTTGGATGATTGGCTTTGAAGAACACAAGCAAAAGACAGACGTGC[A>G]TTATCGTTCCCTGGGAGGTGAAGGCAACTTCAACTGGAGGTTCATTTTCCCCTTCGACTA-3'
Protein context (NP_001124459.1, residues 1886-1906): FEEHKQKTDV[His1896Arg]YRSLGGEGNF